The following is an entry in ClinVar:

ClinVar aggregate classification (germline): Uncertain significance. Review status: criteria provided, multiple submitters, no conflicts (2 of 4 stars). 4 submissions from 4 submitters: Uncertain significance (4). Last evaluated 2025-12-27.

Conditions:
Plasminogen deficiency, type I. Also called: Type 1 plasminogen deficiency; Hypoplasminogenemia. Identifiers: Orphanet 722, MedGen C1968804, MONDO:0009009, OMIM 217090.
Angioedema, hereditary, 4. Identifiers: MedGen C5543503, MONDO:0025712, OMIM 619360.

Allele frequency attached by ClinVar (database versions not stated): ExAC 0.00021; gnomAD exomes 0.00027 and 0.00048; ESP Exome Variant Server 0.00031; TOPMed 0.00032; gnomAD 0.00039 and 0.00040.
gnomAD v4.1: 740 of 1,610,546 alleles (0.046%); highest among the groups gnomAD compares: Non-Finnish European, 0.06%; 1 homozygote.

Submissions (4):

Labcorp Genetics (formerly Invitae), Labcorp
Classification: Uncertain significance. Last evaluated: 2025-12-27. Review status: criteria provided, single submitter. Criteria: Invitae Variant Classification Sherloc (09022015). Collection method: clinical testing. Allele origin: germline.
Comment: This sequence change replaces arginine, which is basic and polar, with glycine, which is neutral and non-polar, at codon 172 of the PLG protein (p.Arg172Gly). This variant is present in population databases (rs145535174, gnomAD 0.06%). This variant has not been reported in the literature in individuals affected with PLG-related conditions. ClinVar contains an entry for this variant (Variation ID: 1163002). An algorithm developed to predict the effect of missense changes on protein structure and function (PolyPhen-2) suggests that this variant is likely to be disruptive. In summary, the available evidence is currently insufficient to determine the role of this variant in disease. Therefore, it has been classified as a Variant of Uncertain Significance.

Fulgent Genetics
Classification: Uncertain significance for Plasminogen deficiency, type I; Angioedema, hereditary, 4. Last evaluated: 2024-01-18. Review status: criteria provided, single submitter. Criteria: ACMG Guidelines, 2015. Collection method: clinical testing. Allele origin: germline.

Clinical Genomics Laboratory, Stanford Medicine
Classification: Uncertain significance for Plasminogen deficiency, type I. Last evaluated: 2022-09-17. Review status: criteria provided, single submitter. Criteria: ACMG Guidelines, 2015. Collection method: clinical testing. Allele origin: germline. Observed: 1 variant allele, 1 heterozygote.

Mayo Clinic Laboratories, Mayo Clinic
Classification: Uncertain significance. Last evaluated: 2021-04-14. Review status: criteria provided, single submitter. Criteria: ACMG Guidelines, 2015. Collection method: clinical testing. Allele origin: germline.

NM_000301.5(PLG):c.514A>G (p.Arg172Gly)

Gene: PLG (plasminogen; plus strand). Cytogenetic location: 6q26.
Variant type: single nucleotide variant.
Coding change: c.514A>G on transcript NM_000301.5 (MANE Select); coding-DNA position 514, A replaced by G.
Protein change: p.Arg172Gly; replaces arginine 172 with glycine.
Molecular consequence: missense variant.
Genome position (GRCh38, 1-based): chr6:160,713,092, A>G. VCF-style: chr6-160713092-A-G. GRCh37 (hg19) VCF-style: chr6-161134124-A-G.
Other names: short protein forms R172G.
Identifiers: ClinVar variation 1163002 (VCV001163002.16), dbSNP rs145535174, ClinGen allele CA4087462.